The following is an entry in ClinVar:

ClinVar aggregate classification (germline): Conflicting classifications of pathogenicity. Review status: criteria provided, conflicting classifications (1 of 4 stars). 2 submissions from 2 submitters: Uncertain significance (1); Likely benign (1). Last evaluated 2025-09-22.

Conditions:
Type 1 diabetes mellitus 10 (T1D10). Identifiers: MedGen C1866040, MONDO:0011168, OMIM 601942.
Immunodeficiency due to CD25 deficiency. Also called: CD25 DEFICIENCY; IL2RA DEFICIENCY; IMMUNODEFICIENCY 41 WITH LYMPHOPROLIFERATION AND AUTOIMMUNITY. Identifiers: Orphanet 169100, MedGen C1853392, MONDO:0011664, OMIM 606367.

Allele frequency attached by ClinVar (database versions not stated): ExAC 0.00001; gnomAD 0.00001; gnomAD exomes 0.00001; TOPMed 0.00001.

Submissions (2):

Labcorp Genetics (formerly Invitae), Labcorp
Classification: Likely benign for Immunodeficiency due to CD25 deficiency. Last evaluated: 2025-09-22. Review status: criteria provided, single submitter. Criteria: Invitae Variant Classification Sherloc (09022015). Collection method: clinical testing. Allele origin: germline.

Center for Genomics, Ann and Robert H. Lurie Children's Hospital of Chicago
Classification: Uncertain significance for Immunodeficiency due to CD25 deficiency; Type 1 diabetes mellitus 10. Review status: criteria provided, single submitter. Criteria: ACMG Guidelines, 2015. Collection method: clinical testing. Allele origin: germline.
Comment: IL2RA NM_000417.2 exon 5 c.584-8del: This variant has not been reported in the literature but is present in 2/17246 East Asian alleles in the Genome Aggregation Database. Evolutionary conservation and computational predictive tools for this variant are limited or unavailable. This variant represents a deletion of 1 nucleotide at position c.584-8 in the intronic region. This variant is not predicted to alter splicing; however, further studies are needed to understand its impact. In summary, data on this variant is insufficient for disease classification. Therefore, the clinical significance of this variant is uncertain.

NM_000417.3(IL2RA):c.584-8del

Gene: IL2RA (interleukin 2 receptor subunit alpha; minus strand). Cytogenetic location: 10p15.1.
Variant type: Deletion.
Coding change: c.584-8del on transcript NM_000417.3 (MANE Select); 8 bases into the intron before coding-DNA position 584, one base deleted (T; older notation c.584-8delT).
Molecular consequence: intron variant.
Genome position (GRCh38, 1-based): chr10:6,019,949, A deleted on the plus strand (T on the coding strand, the reverse complement: IL2RA is on the minus strand). VCF-style (leftmost placement, unchanged base first): chr10-6019948-GA-G. GRCh37 (hg19) VCF-style: chr10-6061911-GA-G.
Other names: c.584-8delT (NM_000417.2); c.368-450del (NM_001308243.2); c.368-8del (NM_001308242.2).
Identifiers: ClinVar variation 626117 (VCV000626117.12), dbSNP rs748515506, ClinGen allele CA5397401.